The following is an entry in ClinVar:

NM_022489.4(INF2):c.2857C>T (p.Arg953Trp)

Gene: INF2 (inverted formin 2; plus strand). Cytogenetic location: 14q32.33.
Variant type: single nucleotide variant.
Coding change: c.2857C>T on transcript NM_022489.4 (MANE Select); coding-DNA position 2857, C replaced by T.
Protein change: p.Arg953Trp; replaces arginine 953 with tryptophan.
Molecular consequence: missense variant.
Genome position (GRCh38, 1-based): chr14:104,713,288, C>T. VCF-style: chr14-104713288-C-T. GRCh37 (hg19) VCF-style: chr14-105179625-C-T.
Other names: c.2857C>T, p.Arg953Trp (NM_001031714.4); short protein forms R953W.
Identifiers: ClinVar variation 804925 (VCV000804925.14), dbSNP rs942393807, ClinGen allele CA267330080.
Genomic context (GRCh38, chr14:104,713,288, plus strand): 5'-CAGGCGGCGAAGGCAGAGAGGAGGAAGCAGCAGCTGGCGGAGGAGGAGGCGCGGCGGCCT[C>T]GGGGAGAGGACGGGAAGCCTGGTGAGGCTGGGCCGGCTGGGCGGGGAGGGGGTGACTCTG-3'
Protein context (NP_071934.3, residues 943-963): QLAEEEARRP[Arg953Trp]GEDGKPVRKG

ClinVar aggregate classification (germline): Conflicting classifications of pathogenicity. Review status: criteria provided, conflicting classifications (1 of 4 stars). 5 submissions from 5 submitters: Uncertain significance (4); Likely benign (1). Last evaluated 2025-12-24.

Conditions:
Inborn genetic diseases. Identifiers: MedGen C0950123, MeSH D030342.
Focal segmental glomerulosclerosis 5 (FSGS5). Identifiers: Orphanet 656, MedGen C2750475, MONDO:0013191, OMIM 613237.
Charcot-Marie-Tooth disease dominant intermediate E. Also called: CHARCOT-MARIE-TOOTH NEUROPATHY WITH FOCAL SEGMENTAL GLOMERULONEPHRITIS. Identifiers: Orphanet 93114, MedGen C4302667, MONDO:0013758, OMIM 614455.

Allele frequency attached by ClinVar (database versions not stated): gnomAD exomes 0.00002; gnomAD 0.00003 and 0.00004; TOPMed 0.00005.
gnomAD v4.1: 82 of 1,550,218 alleles (0.0053%); highest among the groups gnomAD compares: Non-Finnish European, 0.0061%; no homozygotes.

Submissions (5):

Women's Health and Genetics/Laboratory Corporation of America, LabCorp
Classification: Uncertain significance. Last evaluated: 2025-12-24. Review status: criteria provided, single submitter. Criteria: LabCorp Variant Classification Summary - May 2015. Collection method: clinical testing. Allele origin: germline.
Comment: Variant summary: INF2 c.2857C>T (p.Arg953Trp) results in a non-conservative amino acid change in the encoded protein sequence. Algorithms developed to predict the effect of missense changes on protein structure and function are either unavailable or do not agree on the potential impact of this missense change. The variant allele was found at a frequency of 1.9e-05 in 154522 control chromosomes. The available data on variant occurrences in the general population are insufficient to allow any conclusion about variant significance. To our knowledge, no occurrence of c.2857C>T in individuals affected with INF2-related conditions and no experimental evidence demonstrating its impact on protein function have been reported. ClinVar contains an entry for this variant (Variation ID: 804925). Based on the evidence outlined above, the variant was classified as uncertain significance.

Labcorp Genetics (formerly Invitae), Labcorp
Classification: Likely benign for Charcot-Marie-Tooth disease dominant intermediate E; Focal segmental glomerulosclerosis 5. Last evaluated: 2024-10-24. Review status: criteria provided, single submitter. Criteria: Invitae Variant Classification Sherloc (09022015). Collection method: clinical testing. Allele origin: germline.

Fulgent Genetics
Classification: Uncertain significance for Focal segmental glomerulosclerosis 5; Charcot-Marie-Tooth disease dominant intermediate E. Last evaluated: 2024-05-01. Review status: criteria provided, single submitter. Criteria: ACMG Guidelines, 2015. Collection method: clinical testing. Allele origin: germline.

Ambry Genetics
Classification: Uncertain significance for Inborn genetic diseases. Last evaluated: 2019-11-12. Review status: criteria provided, single submitter. Criteria: Ambry Variant Classification Scheme 2023. Collection method: clinical testing. Allele origin: germline.
Comment: The p.R953W variant (also known as c.2857C>T), located in coding exon 18 of the INF2 gene, results from a C to T substitution at nucleotide position 2857. The arginine at codon 953 is replaced by tryptophan, an amino acid with dissimilar properties. This amino acid position is poorly conserved in available vertebrate species. In addition, this alteration is predicted to be tolerated by in silico analysis. Since supporting evidence is limited at this time, the clinical significance of this alteration remains unclear.

Athena Diagnostics
Classification: Uncertain significance. Last evaluated: 2019-06-06. Review status: criteria provided, single submitter. Criteria: Athena Diagnostics Criteria. Collection method: clinical testing. Allele origin: germline.